The following is an entry in ClinVar:

ClinVar aggregate classification (germline): Uncertain significance (1 of 4 stars; one submission).

Conditions:
Dyskeratosis congenita. Identifiers: Orphanet 1775, MedGen C0265965, MONDO:0015780.

Allele frequency attached by ClinVar (database versions not stated): gnomAD exomes below 0.00001.
gnomAD v4.1: 2 of 1,613,364 alleles (0.00012%); highest among the groups gnomAD compares: African/African-American, 0.0013%; no homozygotes.

Submission:

Labcorp Genetics (formerly Invitae), Labcorp
Classification: Uncertain significance for Dyskeratosis congenita. Last evaluated: 2019-09-27. Review status: criteria provided, single submitter. Criteria: Invitae Variant Classification Sherloc (09022015). Collection method: clinical testing. Allele origin: germline.
Comment: In summary, the available evidence is currently insufficient to determine the role of this variant in disease. Therefore, it has been classified as a Variant of Uncertain Significance. Algorithms developed to predict the effect of missense changes on protein structure and function are either unavailable or do not agree on the potential impact of this missense change (SIFT: "Tolerated"; PolyPhen-2: "Possibly Damaging"; Align-GVGD: "Class C0"). This variant is not present in population databases (ExAC no frequency). This variant has not been reported in the literature in individuals with CTC1-related conditions. This sequence change replaces proline with serine at codon 842 of the CTC1 protein (p.Pro842Ser). The proline residue is highly conserved and there is a moderate physicochemical difference between proline and serine.

NM_025099.6(CTC1):c.2524C>T (p.Pro842Ser)

Gene: CTC1 (CST telomere replication complex component 1; minus strand). Cytogenetic location: 17p13.1.
Variant type: single nucleotide variant.
Coding change: c.2524C>T on transcript NM_025099.6 (MANE Select); coding-DNA position 2524, C replaced by T.
Protein change: p.Pro842Ser; replaces proline 842 with serine.
Molecular consequence: missense variant. On other transcripts: non-coding transcript variant (1).
Genome position (GRCh38, 1-based): chr17:8,231,421, G>A on the plus strand (C>T on the coding strand, the complement: CTC1 is on the minus strand). VCF-style: chr17-8231421-G-A. GRCh37 (hg19) VCF-style: chr17-8134739-G-A.
Other names: short protein forms P842S.
Identifiers: ClinVar variation 958842 (VCV000958842.9), dbSNP rs1354260622, ClinGen allele CA397976147.